The following is an entry in ClinVar:

ClinVar aggregate classification (germline): Uncertain significance (0 of 4 stars; one submission).

Conditions:
GIGYF1-related disorder. Also called: GIGYF1-related condition.

Submission:

PreventionGenetics, part of Exact Sciences
Classification: Uncertain significance for GIGYF1-related condition. Last evaluated: 2024-02-26. Review status: no assertion criteria provided. Collection method: clinical testing. Allele origin: germline.
Comment: The GIGYF1 c.1820_1825dup6 variant is predicted to result in an in-frame duplication (p.Gln607_Gln608dup). To our knowledge, this variant has not been reported in the literature. This variant is reported in 0.013% of alleles in individuals of European (Non-Finnish) descent in gnomAD. At this time, the clinical significance of this variant is uncertain due to the absence of conclusive functional and genetic evidence.

NM_001375765.1(GIGYF1):c.1808AGC[8] (p.Gln608_Leu609insGlnGln)

Gene: GIGYF1 (GRB10 interacting GYF protein 1; minus strand). Cytogenetic location: 7q22.1.
Variant type: Microsatellite.
Coding change: c.1808AGC[8] on transcript NM_001375765.1 (MANE Select); eight copies in a row of the 3-base unit AGC starting at c.1808; the reference has six copies in a row; two copies, 6 bases duplicated.
Protein change: p.Gln608_Leu609insGlnGln.
Molecular consequence: non-coding transcript variant (on NR_164719.1).
Genome position (GRCh38, 1-based): chr7:100,684,063-100,684,068, GCTGCT duplicated on the plus strand (AGCAGC on the coding strand, the reverse complement: GIGYF1 is on the minus strand); duplicating any 6 consecutive bases within chr7:100,684,063-100,684,081 gives the same sequence; the position shown is the placement nearest the transcript's 3' end. VCF-style (leftmost placement, unchanged base first): chr7-100684062-A-AGCTGCT. GRCh37 (hg19) VCF-style: chr7-100281685-A-AGCTGCT.
Other names: NM_022574.4:c.1820_1825dup6; c.1808AGC[8], p.Gln608_Leu609insGlnGln (NM_001375759.1, NM_001375760.1, NM_001375761.1 and 6 more transcripts).
Identifiers: ClinVar variation 3051542 (VCV003051542.2), dbSNP rs750764437, ClinGen allele CA4388398.